The following is an entry in ClinVar:

NM_004667.6(HERC2):c.5647G>A (p.Asp1883Asn)

Gene: HERC2 (HECT and RLD domain containing E3 ubiquitin protein ligase 2; minus strand). Cytogenetic location: 15q13.1.
Variant type: single nucleotide variant.
Coding change: c.5647G>A on transcript NM_004667.6 (MANE Select); coding-DNA position 5647, G replaced by A.
Protein change: p.Asp1883Asn; replaces aspartic acid 1883 with asparagine.
Molecular consequence: missense variant.
Genome position (GRCh38, 1-based): chr15:28,222,033, C>T on the plus strand (G>A on the coding strand, the complement: HERC2 is on the minus strand). VCF-style: chr15-28222033-C-T. GRCh37 (hg19) VCF-style: chr15-28467179-C-T.
Other names: short protein forms D1883N.
Identifiers: ClinVar variation 1712527 (VCV001712527.3), dbSNP rs760780779, ClinGen allele CA7442301.

ClinVar aggregate classification (germline): Uncertain significance (1 of 4 stars; one submission).

Allele frequency attached by ClinVar (database versions not stated): gnomAD exomes below 0.00001; gnomAD 0.00001; ExAC 0.00001.
gnomAD v4.1: 5 of 1,164,502 alleles (0.00043%); highest among the groups gnomAD compares: Admixed American, 0.0017%; no homozygotes.

Submission:

GeneDx
Classification: Uncertain significance. Last evaluated: 2024-10-14. Review status: criteria provided, single submitter. Criteria: GeneDx Variant Classification Process June 2021. Collection method: clinical testing. Allele origin: germline.
Comment: In silico analysis supports that this missense variant has a deleterious effect on protein structure/function; Has not been previously published as pathogenic or benign to our knowledge